The following is an entry in ClinVar:

ClinVar aggregate classification (germline): Uncertain significance (1 of 4 stars; one submission).

Conditions:
Charcot-Marie-Tooth disease axonal type 2C (HMSN2C). Also called: CHARCOT-MARIE-TOOTH DISEASE, AXONAL, AUTOSOMAL DOMINANT, TYPE 2C; Charcot-Marie-Tooth Neuropathy Type 2C; Charcot-Marie-Tooth Disease Type 2, TRPV4-Related (CMT2C). Identifiers: Orphanet 99937, MedGen C1853710, MONDO:0011633, OMIM 606071.

Allele frequency attached by ClinVar (database versions not stated): gnomAD exomes below 0.00001; ExAC 0.00001; ESP Exome Variant Server 0.00008.
gnomAD v4.1: 1 of 1,613,800 alleles (0.000062%); highest among the groups gnomAD compares: Non-Finnish European, 0.000085%; no homozygotes.

Submission:

Labcorp Genetics (formerly Invitae), Labcorp
Classification: Uncertain significance for Charcot-Marie-Tooth disease axonal type 2C. Last evaluated: 2023-06-17. Review status: criteria provided, single submitter. Criteria: Invitae Variant Classification Sherloc (09022015). Collection method: clinical testing. Allele origin: germline.
Comment: This sequence change replaces proline, which is neutral and non-polar, with serine, which is neutral and polar, at codon 838 of the TRPV4 protein (p.Pro838Ser). In summary, the available evidence is currently insufficient to determine the role of this variant in disease. Therefore, it has been classified as a Variant of Uncertain Significance. Advanced modeling of protein sequence and biophysical properties (such as structural, functional, and spatial information, amino acid conservation, physicochemical variation, residue mobility, and thermodynamic stability) performed at Invitae indicates that this missense variant is not expected to disrupt TRPV4 protein function. This variant has not been reported in the literature in individuals affected with TRPV4-related conditions. This variant is not present in population databases (gnomAD no frequency).

NM_021625.5(TRPV4):c.2512C>T (p.Pro838Ser)

Gene: TRPV4 (transient receptor potential cation channel subfamily V member 4; minus strand). Cytogenetic location: 12q24.11.
Variant type: single nucleotide variant.
Coding change: c.2512C>T on transcript NM_021625.5 (MANE Select); coding-DNA position 2512, C replaced by T.
Protein change: p.Pro838Ser; replaces proline 838 with serine.
Molecular consequence: missense variant.
Genome position (GRCh38, 1-based): chr12:109,783,725, G>A on the plus strand (C>T on the coding strand, the complement: TRPV4 is on the minus strand). VCF-style: chr12-109783725-G-A. GRCh37 (hg19) VCF-style: chr12-110221530-G-A.
Other names: c.2371C>T, p.Pro791Ser (NM_001177428.2); c.2410C>T, p.Pro804Ser (NM_001177431.2); c.2191C>T, p.Pro731Ser (NM_001177433.2); c.2332C>T, p.Pro778Ser (NM_147204.3); short protein forms P791S, P804S, P838S, P731S, P778S.
Identifiers: ClinVar variation 2718128 (VCV002718128.3), dbSNP rs142245206, ClinGen allele CA6779871.